The following is an entry in ClinVar:

NM_002691.4(POLD1):c.3001G>A (p.Gly1001Ser)

Gene: POLD1 (DNA polymerase delta 1, catalytic subunit; plus strand). Cytogenetic location: 19q13.33.
Variant type: single nucleotide variant.
Coding change: c.3001G>A on transcript NM_002691.4 (MANE Select); coding-DNA position 3001, G replaced by A.
Protein change: p.Gly1001Ser; replaces glycine 1001 with serine.
Molecular consequence: missense variant. On other transcripts: non-coding transcript variant (1).
Genome position (GRCh38, 1-based): chr19:50,416,657, G>A. VCF-style: chr19-50416657-G-A. GRCh37 (hg19) VCF-style: chr19-50919914-G-A.
Other names: c.3001G>A, p.Gly1001Ser (NM_001256849.1); c.3079G>A, p.Gly1027Ser (NM_001308632.1); short protein forms G1001S, G1027S.
Identifiers: ClinVar variation 834404 (VCV000834404.15), dbSNP rs550922227, ClinGen allele CA9596724.

ClinVar aggregate classification (germline): Uncertain significance. Review status: criteria provided, multiple submitters, no conflicts (2 of 4 stars). 4 submissions from 4 submitters: Uncertain significance (4). Last evaluated 2025-12-03.

Conditions:
Hereditary cancer-predisposing syndrome. Also called: Tumor predisposition; Hereditary Cancer Syndrome; Hereditary neoplastic syndrome; Neoplastic Syndromes, Hereditary. Identifiers: Orphanet 140162, MedGen C0027672, MeSH D009386, MONDO:0015356.
Mandibular hypoplasia-deafness-progeroid syndrome. Also called: Mandibular hypoplasia, deafness, progeroid features, and lipodystrophy syndrome. Identifiers: Orphanet 363649, MedGen C3715192, MONDO:0014157, OMIM 615381.
POLD1-related polyposis and colorectal cancer syndrome (CRCS10). Also called: Colorectal cancer 10; COLORECTAL CANCER, SUSCEPTIBILITY TO, ON CHROMOSOME 19q; Colorectal cancer, susceptibility to, 10. Identifiers: Orphanet 220460, MedGen C2675481, MONDO:0012953, OMIM 612591.

Allele frequency attached by ClinVar (database versions not stated): ExAC below 0.00001; gnomAD 0.00001; gnomAD exomes 0.00001 and 0.00002; 1000 Genomes Project 30x 0.00016; 1000 Genomes Project 0.00020.
gnomAD v4.1: 21 of 1,562,828 alleles (0.0013%); highest among the groups gnomAD compares: South Asian, 0.015%; no homozygotes.

Submissions (4):

Ambry Genetics
Classification: Uncertain significance for Hereditary cancer-predisposing syndrome. Last evaluated: 2025-12-03. Review status: criteria provided, single submitter. Criteria: Ambry Variant Classification Scheme 2023. Collection method: clinical testing. Allele origin: germline.
Comment: The p.G1001S variant (also known as c.3001G>A), located in coding exon 23 of the POLD1 gene, results from a G to A substitution at nucleotide position 3001. The glycine at codon 1001 is replaced by serine, an amino acid with similar properties. This amino acid position is conserved. In addition, this alteration is predicted to be tolerated by in silico analysis. Since supporting evidence is limited at this time, the clinical significance of this alteration remains unclear.

Labcorp Genetics (formerly Invitae), Labcorp
Classification: Uncertain significance for POLD1-related polyposis and colorectal cancer syndrome. Last evaluated: 2025-09-24. Review status: criteria provided, single submitter. Criteria: Invitae Variant Classification Sherloc (09022015). Collection method: clinical testing. Allele origin: germline.
Comment: This sequence change replaces glycine, which is neutral and non-polar, with serine, which is neutral and polar, at codon 1001 of the POLD1 protein (p.Gly1001Ser). The frequency data for this variant in the population databases is considered unreliable, as metrics indicate poor data quality at this position in the gnomAD database. This variant has not been reported in the literature in individuals affected with POLD1-related conditions. ClinVar contains an entry for this variant (Variation ID: 834404). Invitae Evidence Modeling of protein sequence and biophysical properties (such as structural, functional, and spatial information, amino acid conservation, physicochemical variation, residue mobility, and thermodynamic stability) indicates that this missense variant is not expected to disrupt POLD1 protein function with a negative predictive value of 80%. In summary, the available evidence is currently insufficient to determine the role of this variant in disease. Therefore, it has been classified as a Variant of Uncertain Significance.

GeneDx
Classification: Uncertain significance. Last evaluated: 2023-09-07. Review status: criteria provided, single submitter. Criteria: GeneDx Variant Classification Process June 2021. Collection method: clinical testing. Allele origin: germline. Affected: yes.
Comment: In silico analysis supports that this missense variant does not alter protein structure/function; Has not been previously published as pathogenic or benign to our knowledge; This variant is associated with the following publications: (PMID: 28481359, 19296856)

Baylor Genetics
Classification: Uncertain significance for Mandibular hypoplasia-deafness-progeroid syndrome. Last evaluated: 2021-07-22. Review status: criteria provided, single submitter. Criteria: ACMG Guidelines, 2015. Collection method: clinical testing. Allele origin: unknown. Affected: yes. Study: CSER-TexasKidsCanSeq.
Comment: This variant was determined to be of uncertain significance according to ACMG Guidelines, 2015 [PMID:25741868].